The following is an entry in ClinVar:

NM_000264.5(PTCH1):c.2581_2586del (p.Ser861_Asp862del)

Gene: PTCH1 (patched 1; minus strand). Cytogenetic location: 9q22.32.
Variant type: Deletion.
Coding change: c.2581_2586del on transcript NM_000264.5 (MANE Select); coding-DNA positions 2581 to 2586, 6 bases deleted (AGTGAC; older notation c.2581_2586delAGTGAC).
Protein change: p.Ser861_Asp862del.
Molecular consequence: inframe deletion. On other transcripts: inframe indel (1), non-coding transcript variant (1).
Genome position (GRCh38, 1-based): chr9:95,461,973-95,461,978, GTCACT deleted on the plus strand (AGTGAC on the coding strand, the reverse complement: PTCH1 is on the minus strand); deleting any 6 consecutive bases within chr9:95,461,973-95,461,982 gives the same sequence; the c. name uses the placement nearest the transcript's 3' end. VCF-style (leftmost placement, unchanged base first): chr9-95461972-AGTCACT-A. GRCh37 (hg19) VCF-style: chr9-98224254-AGTCACT-A.
Other names: c.2577_2582delTGACAG, p.Ser861_Asp862del (NM_000264.3); c.2383_2388del, p.Ser795_Asp796del (NM_001083602.3); c.2578_2583del, p.Ser860_Asp861del (NM_001083603.3); c.2128_2133del, p.Ser710_Asp711del (NM_001083604.3, NM_001083605.3, NM_001083606.3 and 1 more transcripts); c.2425_2430del, p.Ser809_Asp810del (NM_001354918.2).
Identifiers: ClinVar variation 4532768 (VCV004532768.1).

ClinVar aggregate classification (germline): Uncertain significance (1 of 4 stars; one submission).

Submission:

GeneDx
Classification: Uncertain significance. Last evaluated: 2025-05-30. Review status: criteria provided, single submitter. Criteria: GeneDx Variant Classification Process June 2021. Collection method: clinical testing. Allele origin: germline. Affected: yes.
Comment: Not observed at significant frequency in large population cohorts (gnomAD); In-frame deletion of 2 amino acids in a non-repeat region; In silico analysis supports a deleterious effect on protein structure/function; Has not been previously published as pathogenic or benign to our knowledge; This variant is associated with the following publications: (PMID: 8906794)